The following is an entry in ClinVar:

NM_000059.4(BRCA2):c.8738A>G (p.Asp2913Gly)

Gene: BRCA2 (BRCA2 DNA repair associated; plus strand). Cytogenetic location: 13q13.1.
Variant type: single nucleotide variant.
Coding change: c.8738A>G on transcript NM_000059.4 (MANE Select); coding-DNA position 8738, A replaced by G.
Protein change: p.Asp2913Gly; replaces aspartic acid 2913 with glycine.
Molecular consequence: missense variant.
Genome position (GRCh38, 1-based): chr13:32,376,775, A>G. VCF-style: chr13-32376775-A-G. GRCh37 (hg19) VCF-style: chr13-32950912-A-G.
Other names: c.8738A>G (NM_000059.3); short protein forms D2913G.
Identifiers: ClinVar variation 1042364 (VCV001042364.10), dbSNP rs1566251497, ClinGen allele CA387755032.

ClinVar aggregate classification (germline): Uncertain significance. Review status: criteria provided, multiple submitters, no conflicts (2 of 4 stars). 2 submissions from 2 submitters: Uncertain significance (2). Last evaluated 2025-03-31.

Conditions:
Hereditary cancer-predisposing syndrome. Also called: Hereditary Cancer Syndrome; Tumor predisposition; Hereditary neoplastic syndrome; Neoplastic Syndromes, Hereditary. Identifiers: Orphanet 140162, MedGen C0027672, MeSH D009386, MONDO:0015356.
Hereditary breast ovarian cancer syndrome. Also called: Hereditary breast and ovarian cancer syndrome (HBOC); Breast and ovarian cancer; Hereditary breast and ovarian cancer syndrome; Hereditary breast and ovarian cancer; Hereditary breast and/or ovarian cancer syndrome; BRCA1- and BRCA2-Associated Hereditary Breast and Ovarian Cancer. Identifiers: Orphanet 145, MedGen C0677776, MeSH D061325, MONDO:0003582. Disease mechanism: loss of function.

Allele frequency attached by ClinVar (database versions not stated): TOPMed below 0.00001.

Submissions (2):

Labcorp Genetics (formerly Invitae), Labcorp
Classification: Uncertain significance for Hereditary breast ovarian cancer syndrome. Last evaluated: 2025-03-31. Review status: criteria provided, single submitter. Criteria: Invitae Variant Classification Sherloc (09022015). Collection method: clinical testing. Allele origin: germline.
Comment: This sequence change replaces aspartic acid, which is acidic and polar, with glycine, which is neutral and non-polar, at codon 2913 of the BRCA2 protein (p.Asp2913Gly). This variant is not present in population databases (gnomAD no frequency). This missense change has been observed in individual(s) with clinical features of BRCA2-related conditions (PMID: 21520333). ClinVar contains an entry for this variant (Variation ID: 1042364). Invitae Evidence Modeling incorporating data from in vitro experimental studies (PMID: 33609447) indicates that this missense variant is not expected to disrupt BRCA2 function with a negative predictive value of 95%. In summary, the available evidence is currently insufficient to determine the role of this variant in disease. Therefore, it has been classified as a Variant of Uncertain Significance.

Ambry Genetics
Classification: Uncertain significance for Hereditary cancer-predisposing syndrome. Last evaluated: 2023-05-24. Review status: criteria provided, single submitter. Criteria: Ambry Variant Classification Scheme 2023. Collection method: clinical testing. Allele origin: germline.
Comment: The p.D2913G variant (also known as c.8738A>G), located in coding exon 20 of the BRCA2 gene, results from an A to G substitution at nucleotide position 8738. The aspartic acid at codon 2913 is replaced by glycine, an amino acid with similar properties. This amino acid position is highly conserved in available vertebrate species. In addition, the in silico prediction for this alteration is inconclusive. Since supporting evidence is limited at this time, the clinical significance of this alteration remains unclear.

Literature cited by the submitters: PubMed 21520333 (cited by Labcorp Genetics (formerly Invitae), Labcorp); PubMed 33609447 (cited by Labcorp Genetics (formerly Invitae), Labcorp).